The following is an entry in ClinVar:

ClinVar aggregate classification (germline): Pathogenic (1 of 4 stars; one submission).

Conditions:
Neurofibromatosis, type 1 (NF1). Also called: Peripheral type neurofibromatosis; VON RECKLINGHAUSEN DISEASE; NEUROFIBROMATOSIS, TYPE I, SOMATIC; Neurofibromatosis, type I. Identifiers: Orphanet 636, MedGen C0027831, MONDO:0018975, OMIM 162200. Disease mechanism: loss of function.

Submission:

Labcorp Genetics (formerly Invitae), Labcorp
Classification: Pathogenic for Neurofibromatosis, type 1. Last evaluated: 2024-01-02. Review status: criteria provided, single submitter. Criteria: Invitae Variant Classification Sherloc (09022015). Collection method: clinical testing. Allele origin: germline.
Comment: This sequence change falls in intron 17 of the NF1 gene. It does not directly change the encoded amino acid sequence of the NF1 protein. RNA analysis indicates that this variant induces altered splicing and may result in an absent or disrupted protein product. This variant is not present in population databases (gnomAD no frequency). This variant has been observed in individual(s) with clinical features of neurofibromatosis type 1 (PMID: 23812910). ClinVar contains an entry for this variant (Variation ID: 2137967). Variants that disrupt the consensus splice site are a relatively common cause of aberrant splicing (PMID: 17576681, 9536098). Studies have shown that this variant results in skipping of exon 18 and introduces a premature termination codon (PMID: 32126153). The resulting mRNA is expected to undergo nonsense-mediated decay. Other variant(s) that result in skipping of exon 18 have been determined to be pathogenic (PMID: 16944272, 18546366, 30530636). This suggests that this variant may also be clinically significant and likely to be disease-causing. For these reasons, this variant has been classified as Pathogenic.

Literature cited by the submitters: PubMed 23812910; PubMed 17576681; PubMed 9536098; PubMed 32126153; PubMed 16944272; PubMed 18546366; PubMed 30530636.

NM_001042492.3(NF1):c.2002-3C>G

Gene: NF1 (neurofibromin 1; plus strand). Cytogenetic location: 17q11.2.
Variant type: single nucleotide variant.
Coding change: c.2002-3C>G on transcript NM_001042492.3 (MANE Select); 3 bases into the intron before coding-DNA position 2002, C replaced by G.
Molecular consequence: intron variant.
Genome position (GRCh38, 1-based): chr17:31,226,432, C>G. VCF-style: chr17-31226432-C-G. GRCh37 (hg19) VCF-style: chr17-29553450-C-G.
Other names: c.2002-3C>G (NM_000267.4).
Identifiers: ClinVar variation 2137967 (VCV002137967.4), dbSNP rs2151425497, ClinGen allele CA2580093127.